The following is an entry in ClinVar:

ClinVar aggregate classification (germline): Uncertain significance. Review status: criteria provided, multiple submitters, no conflicts (2 of 4 stars). 2 submissions from 2 submitters: Uncertain significance (2). Last evaluated 2022-09-06.

Conditions:
Inborn genetic diseases. Identifiers: MedGen C0950123, MeSH D030342.

Allele frequency attached by ClinVar (database versions not stated): ExAC 0.00008; ESP Exome Variant Server 0.00008; TOPMed 0.00015; gnomAD 0.00019.
gnomAD v4.1: 136 of 1,614,028 alleles (0.0084%); highest among the groups gnomAD compares: Middle Eastern, 0.25%; 1 homozygote.

Submissions (2):

Labcorp Genetics (formerly Invitae), Labcorp
Classification: Uncertain significance. Last evaluated: 2022-09-06. Review status: criteria provided, single submitter. Criteria: Invitae Variant Classification Sherloc (09022015). Collection method: clinical testing. Allele origin: germline.
Comment: This sequence change replaces glycine, which is neutral and non-polar, with serine, which is neutral and polar, at codon 697 of the TELO2 protein (p.Gly697Ser). This variant is present in population databases (rs145891685, gnomAD 0.02%). This variant has not been reported in the literature in individuals affected with TELO2-related conditions. Algorithms developed to predict the effect of missense changes on protein structure and function are either unavailable or do not agree on the potential impact of this missense change (SIFT: "Tolerated"; PolyPhen-2: "Probably Damaging"; Align-GVGD: "Class C0"). Algorithms developed to predict the effect of sequence changes on RNA splicing suggest that this variant may create or strengthen a splice site. In summary, the available evidence is currently insufficient to determine the role of this variant in disease. Therefore, it has been classified as a Variant of Uncertain Significance.

Ambry Genetics
Classification: Uncertain significance for Inborn genetic diseases. Last evaluated: 2021-08-02. Review status: criteria provided, single submitter. Criteria: Ambry Variant Classification Scheme 2023. Collection method: clinical testing. Allele origin: germline.

NM_016111.4(TELO2):c.2089G>A (p.Gly697Ser)

Gene: TELO2 (telomere maintenance 2; plus strand). Cytogenetic location: 16p13.3.
Variant type: single nucleotide variant.
Coding change: c.2089G>A on transcript NM_016111.4 (MANE Select); coding-DNA position 2089, G replaced by A.
Protein change: p.Gly697Ser; replaces glycine 697 with serine.
Molecular consequence: missense variant.
Genome position (GRCh38, 1-based): chr16:1,506,292, G>A. VCF-style: chr16-1506292-G-A. GRCh37 (hg19) VCF-style: chr16-1556293-G-A.
Other names: c.2089G>A, p.Gly697Ser (NM_001351846.2); short protein forms G697S.
Identifiers: ClinVar variation 2068695 (VCV002068695.2), dbSNP rs145891685, ClinGen allele CA7812478.
Genomic context (GRCh38, chr16:1,506,292, plus strand): 5'-TGGCAGGGTGGCCCGAGGCAGGGCCCGGCAGGCAGCCCCAGCAGATTCAACTCCGTGGCC[G>A]GCCACTTCTTCTTCCCCCTCCTTCAGCGCTTTGACAGGTGAGTGGGTTTTCCGTGGGCCT-3'
Protein context (NP_057195.2, residues 687-707): GSPSRFNSVA[Gly697Ser]HFFFPLLQRF